The following is an entry in ClinVar:

NM_017633.3(TENT5A):c.1230T>C (p.Tyr410=)

Gene: TENT5A (terminal nucleotidyltransferase 5A; minus strand). Cytogenetic location: 6q14.1.
Variant type: single nucleotide variant.
Coding change: c.1230T>C on transcript NM_017633.3 (MANE Select); coding-DNA position 1230, T replaced by C.
Protein change: p.Tyr410=; no amino-acid change (tyrosine 410 retained).
Molecular consequence: synonymous variant.
Genome position (GRCh38, 1-based): chr6:81,749,794, A>G on the plus strand (T>C on the coding strand, the complement: TENT5A is on the minus strand). VCF-style: chr6-81749794-A-G. GRCh37 (hg19) VCF-style: chr6-82459511-A-G.
Identifiers: ClinVar variation 741555 (VCV000741555.10), dbSNP rs376895458, ClinGen allele CA3902907.

ClinVar aggregate classification (germline): Likely benign. Review status: criteria provided, multiple submitters, no conflicts (2 of 4 stars). 3 submissions from 3 submitters: Likely benign (3). Last evaluated 2024-08-27.

Allele frequency attached by ClinVar (database versions not stated): gnomAD 0.00002 and 0.00003; gnomAD exomes 0.00002 and 0.00003; ESP Exome Variant Server 0.00008; TOPMed 0.00003; ExAC 0.00006.

Submissions (3):

Women's Health and Genetics/Laboratory Corporation of America, LabCorp
Classification: Likely benign. Last evaluated: 2024-08-27. Review status: criteria provided, single submitter. Criteria: LabCorp Variant Classification Summary - May 2015. Collection method: clinical testing. Allele origin: germline.
Comment: Variant summary: TENT5A c.1230T>C alters a conserved nucleotide resulting in a synonymous change. Consensus agreement among computation tools predict no significant impact on normal splicing. However, these predictions have yet to be confirmed by functional studies. The variant was absent in 282830 control chromosomes. The available data on variant occurrences in the general population are insufficient to allow any conclusion about variant significance. To our knowledge, no occurrence of c.1230T>C in individuals affected with Osteogenesis Imperfecta, Type 18 and no experimental evidence demonstrating its impact on protein function have been reported. ClinVar contains an entry for this variant (Variation ID: 741555). Based on the evidence outlined above, the variant was classified as likely benign.

Labcorp Genetics (formerly Invitae), Labcorp
Classification: Likely benign. Last evaluated: 2024-01-08. Review status: criteria provided, single submitter. Criteria: Invitae Variant Classification Sherloc (09022015). Collection method: clinical testing. Allele origin: germline.

Breakthrough Genomics
Classification: Likely benign. Review status: criteria provided, single submitter. Criteria: ACMG Guidelines, 2015. Collection method: not provided. Allele origin: germline. Inheritance: Autosomal recessive inheritance. Affected: yes.